The following is an entry in ClinVar:

NM_014946.4(SPAST):c.1252G>T (p.Glu418Ter)

Gene: SPAST (spastin; plus strand). Cytogenetic location: 2p22.3.
Variant type: single nucleotide variant.
Coding change: c.1252G>T on transcript NM_014946.4 (MANE Select); coding-DNA position 1252, G replaced by T.
Protein change: p.Glu418Ter; replaces glutamic acid 418 with a stop codon.
Molecular consequence: nonsense.
Genome position (GRCh38, 1-based): chr2:32,136,569, G>T. VCF-style: chr2-32136569-G-T. GRCh37 (hg19) VCF-style: chr2-32361638-G-T.
Other names: c.1249G>T, p.Glu417Ter (NM_001363823.2); c.1153G>T, p.Glu385Ter (NM_001363875.2); c.1156G>T, p.Glu386Ter (NM_001377959.1, NM_199436.2); short protein forms E418*, E385*, E386*, E417*.
Identifiers: ClinVar variation 536439 (VCV000536439.6), dbSNP rs1553318164, ClinGen allele CA346501839.

ClinVar aggregate classification (germline): Pathogenic (1 of 4 stars; one submission).

Conditions:
Hereditary spastic paraplegia 4. Also called: Spastic Paraplegia 4; Familial spastic paraplegia autosomal dominant 2; Spastic paraplegia 4, autosomal dominant. Identifiers: Orphanet 100985, MedGen C1866855, MONDO:0008438, OMIM 182601.

Submission:

Labcorp Genetics (formerly Invitae), Labcorp
Classification: Pathogenic for Hereditary spastic paraplegia 4. Last evaluated: 2017-09-21. Review status: criteria provided, single submitter. Criteria: Invitae Variant Classification Sherloc (09022015). Collection method: clinical testing. Allele origin: germline.
Comment: For these reasons, this variant has been classified as Pathogenic. Loss-of-function variants in SPAST are known to be pathogenic (PMID: 20932283). This variant has not been reported in the literature in individuals with SPAST-related disease. This variant is not present in population databases (ExAC no frequency). This sequence change creates a premature translational stop signal (p.Glu418*) in the SPAST gene. It is expected to result in an absent or disrupted protein product.

Literature cited by the submitters: PubMed 20932283.